The following is an entry in ClinVar:

NM_015046.7(SETX):c.12TTG[1] (p.Cys5del)

Gene: SETX (senataxin; minus strand). Cytogenetic location: 9q34.13.
Variant type: Microsatellite.
Coding change: c.12TTG[1] on transcript NM_015046.7 (MANE Select); one copy of the 3-base unit TTG starting at c.12; the reference has two copies in a row; one copy, 3 bases deleted; also written c.15_17del.
Protein change: p.Cys5del; deletes cysteine 5.
Molecular consequence: inframe deletion.
Genome position (GRCh38, 1-based): chr9:132,349,412-132,349,414, CAA deleted on the plus strand (TTG on the coding strand, the reverse complement: SETX is on the minus strand); deleting any 3 consecutive bases within chr9:132,349,412-132,349,419 gives the same sequence; the position shown is the placement nearest the transcript's 3' end. VCF-style (leftmost placement, unchanged base first): chr9-132349411-CCAA-C. GRCh37 (hg19) VCF-style: chr9-135224798-CCAA-C.
Other names: c.15_17delTTG (NM_001351527.1); c.15_17del (NM_015046.7); c.12TTG[1], p.Cys5del (NM_001351527.2, NM_001351528.2); short protein forms C5del.
Identifiers: ClinVar variation 448306 (VCV000448306.11), dbSNP rs774123592, ClinGen allele CA5298154.

ClinVar aggregate classification (germline): Conflicting classifications of pathogenicity. Review status: criteria provided, conflicting classifications (1 of 4 stars). 6 submissions from 5 submitters: Likely pathogenic (1); Uncertain significance (5). Last evaluated 2025-05-13.

Conditions:
Amyotrophic lateral sclerosis type 4 (ALS4). Also called: NEURONOPATHY, DISTAL HEREDITARY MOTOR, WITH PYRAMIDAL FEATURES; AMYOTROPHIC LATERAL SCLEROSIS 4, JUVENILE. Identifiers: Orphanet 357043, MedGen C1865409, MONDO:0011223, OMIM 602433.
Spinocerebellar ataxia, autosomal recessive, with axonal neuropathy 2 (SCAN2). Also called: ATAXIA-OCULOMOTOR APRAXIA 2; Ataxia-ocular apraxia-2; Ataxia with Oculomotor Apraxia Type 2; Ataxia with Oculomotor Apraxia. Identifiers: Orphanet 64753, MedGen C1853761, MONDO:0018996, OMIM 606002.
Ataxia, early-onset, with oculomotor apraxia and hypoalbuminemia (EAOH). Also called: ATAXIA-OCULOMOTOR APRAXIA SYNDROME; ATAXIA-TELANGIECTASIA-LIKE SYNDROME; Ataxia-oculomotor apraxia type 1. Identifiers: Orphanet 1168, MedGen C1859598, MONDO:0008842, OMIM 208920.

Submissions (6):

3billion
Classification: Likely pathogenic for Spinocerebellar ataxia, autosomal recessive, with axonal neuropathy 2. Last evaluated: 2025-05-13. Review status: criteria provided, single submitter. Criteria: ACMG Guidelines, 2015. Collection method: clinical testing. Allele origin: germline. Affected: yes.
Comment: The variant is observed at an extremely low frequency in the gnomAD v4.1.0 dataset (total allele frequency: <0.001%). Predicted Consequence/Location: Inframe deletion located in a nonrepeat region: predicted to change the length of the protein and disrupt normal protein function. The variant has been reported to be in trans with a pathogenic variant as either compound heterozygous or homozygous in at least one similarly affected unrelated individual (PMID: 32488064). The variant has been reported to be associated with SETX-related disorder (PMID: 32488064). Therefore, this variant is classified as Likely pathogenic according to the recommendation of ACMG/AMP guideline.

Genome-Nilou Lab
Classification: Uncertain significance for Spinocerebellar ataxia, autosomal recessive, with axonal neuropathy 2. Last evaluated: 2023-02-08. Review status: criteria provided, single submitter. Criteria: ACMG Guidelines, 2015. Collection method: clinical testing. Allele origin: germline.

Genome-Nilou Lab
Classification: Uncertain significance for Amyotrophic lateral sclerosis type 4. Last evaluated: 2023-02-08. Review status: criteria provided, single submitter. Criteria: ACMG Guidelines, 2015. Collection method: clinical testing. Allele origin: germline.

Labcorp Genetics (formerly Invitae), Labcorp
Classification: Uncertain significance for Amyotrophic lateral sclerosis type 4; Spinocerebellar ataxia, autosomal recessive, with axonal neuropathy 2. Last evaluated: 2021-08-24. Review status: criteria provided, single submitter. Criteria: Invitae Variant Classification Sherloc (09022015). Collection method: clinical testing. Allele origin: germline.
Comment: This variant has been observed in individual(s) with autosomal recessive SETX-related conditions (PMID: 32488064). This variant, c.15_17del, results in the deletion of 1 amino acid(s) of the SETX protein (p.Cys5del), but otherwise preserves the integrity of the reading frame. This variant is present in population databases (rs774123592, ExAC 0.001%). Experimental studies and prediction algorithms are not available or were not evaluated, and the functional significance of this variant is currently unknown. In summary, the available evidence is currently insufficient to determine the role of this variant in disease. Therefore, it has been classified as a Variant of Uncertain Significance.

Athena Diagnostics
Classification: Uncertain significance. Last evaluated: 2016-12-28. Review status: criteria provided, single submitter. Criteria: Athena Diagnostics Criteria. Collection method: clinical testing. Allele origin: germline.

Consultorio y Laboratorio de Neurogenética, Hospital JM Ramos Mejia
Classification: Uncertain significance for Ataxia, early-onset, with oculomotor apraxia and hypoalbuminemia. Review status: criteria provided, single submitter. Criteria: Perez et al. (J Hum Genet. 2020). Collection method: clinical testing. Allele origin: unknown. Inheritance: Autosomal recessive inheritance. Affected: yes. Observed: 1 heterozygote.

Literature cited by the submitters: PubMed 32488064 (cited by 3billion and Labcorp Genetics (formerly Invitae), Labcorp).